The following is an entry in ClinVar:

NM_017807.4(OSGEP):c.517G>A (p.Asp173Asn)

Gene: OSGEP (O-sialoglycoprotein endopeptidase; minus strand). Cytogenetic location: 14q11.2.
Variant type: single nucleotide variant.
Coding change: c.517G>A on transcript NM_017807.4 (MANE Select); coding-DNA position 517, G replaced by A.
Protein change: p.Asp173Asn; replaces aspartic acid 173 with asparagine.
Molecular consequence: missense variant.
Genome position (GRCh38, 1-based): chr14:20,449,004, C>T on the plus strand (G>A on the coding strand, the complement: OSGEP is on the minus strand). VCF-style: chr14-20449004-C-T. GRCh37 (hg19) VCF-style: chr14-20917163-C-T.
Other names: short protein forms D173N.
Identifiers: ClinVar variation 3234497 (VCV003234497.20), dbSNP rs575185404, ClinGen allele CA7081186.
Genomic context (GRCh38, chr14:20,449,004, plus strand): 5'-TCCACCTTATGTCCCCTTACCGCTTTGCCATCTGTTCAATGTTGTATCCTGGACTTGGGT[C>T]GTTAGAAATCTAGCAGAAGAAAAAAATAAGGAAGGAGGGAATGGAAGAGGATGAAATCAG-3'
Protein context (NP_060277.1, residues 163-183): RFARVLKISN[Asp173Asn]PSPGYNIEQM

ClinVar aggregate classification (germline): Uncertain significance (1 of 4 stars; one submission).

Allele frequency attached by ClinVar (database versions not stated): gnomAD 0.00002; ExAC 0.00003; TOPMed 0.00004.
gnomAD v4.1: 38 of 1,613,640 alleles (0.0024%); highest among the groups gnomAD compares: Non-Finnish European, 0.0031%; no homozygotes.

Submission:

CeGaT Center for Human Genetics Tuebingen
Classification: Uncertain significance. Last evaluated: 2024-04-01. Review status: criteria provided, single submitter. Criteria: CeGaT Center For Human Genetics Tuebingen Variant Classification Criteria Version 2. Collection method: clinical testing. Allele origin: germline. Affected: yes. Observed: 1 variant allele.
Comment: OSGEP: PM2